The following is an entry in ClinVar:

NM_016306.6(DNAJB11):c.226-2A>G

Gene: DNAJB11 (DnaJ heat shock protein family (Hsp40) member B11; plus strand). Cytogenetic location: 3q27.3.
Variant type: single nucleotide variant.
Coding change: c.226-2A>G on transcript NM_016306.6 (MANE Select); the canonical splice acceptor site of the intron before coding-DNA position 226, A replaced by G.
Molecular consequence: splice acceptor variant.
Genome position (GRCh38, 1-based): chr3:186,575,838, A>G. VCF-style: chr3-186575838-A-G. GRCh37 (hg19) VCF-style: chr3-186293627-A-G.
Other names: c.226-2A>G (NM_001378451.1).
Identifiers: ClinVar variation 4998802 (VCV004998802.1).

ClinVar aggregate classification (germline): Likely pathogenic (1 of 4 stars; one submission).

Conditions:
DNAJB11-related disorder. Also called: DNAJB11-related condition.

gnomAD v4.1: 1 of 1,611,940 alleles (0.000062%); highest among the groups gnomAD compares: Non-Finnish European, 0.000085%; no homozygotes.

Submission:

PreventionGenetics, part of Exact Sciences
Classification: Likely pathogenic for DNAJB11-related condition. Last evaluated: 2025-05-27. Review status: criteria provided, single submitter. Criteria: ACMG Guidelines, 2015. Collection method: clinical testing. Allele origin: germline.
Comment: The DNAJB11 c.226-2A>G variant is predicted to disrupt the AG splice acceptor site and interfere with normal splicing. To our knowledge, this variant has not been reported in the literature or in a large population database (gnomAD), indicating this variant is rare. Variants that disrupt the consensus splice acceptor site in DNAJB11 are expected to be pathogenic. This variant is interpreted as likely pathogenic.